The following is an entry in ClinVar:

NM_001312909.2(FAM111A):c.864C>G (p.Asn288Lys)

Gene: FAM111A (FAM111 trypsin like peptidase A; plus strand). Cytogenetic location: 11q12.1.
Variant type: single nucleotide variant.
Coding change: c.864C>G on transcript NM_001312909.2 (MANE Select); coding-DNA position 864, C replaced by G.
Protein change: p.Asn288Lys; replaces asparagine 288 with lysine.
Molecular consequence: missense variant.
Genome position (GRCh38, 1-based): chr11:59,152,532, C>G. VCF-style: chr11-59152532-C-G. GRCh37 (hg19) VCF-style: chr11-58920005-C-G.
Other names: c.864C>G, p.Asn288Lys (NM_001142519.3, NM_001142520.3, NM_001142521.3 and 29 more transcripts); short protein forms N288K.
Identifiers: ClinVar variation 3614715 (VCV003614715.2).

ClinVar aggregate classification (germline): Uncertain significance (1 of 4 stars; one submission).

Submission:

Labcorp Genetics (formerly Invitae), Labcorp
Classification: Uncertain significance. Last evaluated: 2024-03-28. Review status: criteria provided, single submitter. Criteria: Invitae Variant Classification Sherloc (09022015). Collection method: clinical testing. Allele origin: germline.
Comment: This sequence change replaces asparagine, which is neutral and polar, with lysine, which is basic and polar, at codon 288 of the FAM111A protein (p.Asn288Lys). This variant is present in population databases (no rsID available, gnomAD 0.1%). This variant has not been reported in the literature in individuals affected with FAM111A-related conditions. Advanced modeling of protein sequence and biophysical properties (such as structural, functional, and spatial information, amino acid conservation, physicochemical variation, residue mobility, and thermodynamic stability) performed at Invitae indicates that this missense variant is not expected to disrupt FAM111A protein function with a negative predictive value of 80%. In summary, the available evidence is currently insufficient to determine the role of this variant in disease. Therefore, it has been classified as a Variant of Uncertain Significance.